The following is an entry in ClinVar:

ClinVar aggregate classification (germline): Pathogenic (1 of 4 stars; one submission).

Conditions:
Inborn genetic diseases. Identifiers: MedGen C0950123, MeSH D030342.

Submission:

Ambry Genetics
Classification: Pathogenic for Inborn genetic diseases. Last evaluated: 2024-03-18. Review status: criteria provided, single submitter. Criteria: Ambry Variant Classification Scheme 2023. Collection method: clinical testing. Allele origin: germline.
Comment: The c.3940C>T (p.Q1314*) alteration, located in exon 25 (coding exon 25) of the KMT2C gene, consists of a C to T substitution at nucleotide position 3940. This changes the amino acid from a glutamine (Q) to a stop codon at amino acid position 1314. This alteration is expected to result in loss of function by premature protein truncation or nonsense-mediated mRNA decay. This variant was not reported in population-based cohorts in the Genome Aggregation Database (gnomAD). Based on the available evidence, this alteration is classified as pathogenic.

NM_170606.3(KMT2C):c.3940C>T (p.Gln1314Ter)

Gene: KMT2C (lysine methyltransferase 2C; minus strand). Cytogenetic location: 7q36.1.
Variant type: single nucleotide variant.
Coding change: c.3940C>T on transcript NM_170606.3 (MANE Select); coding-DNA position 3940, C replaced by T.
Protein change: p.Gln1314Ter; replaces glutamine 1314 with a stop codon.
Molecular consequence: nonsense.
Genome position (GRCh38, 1-based): chr7:152,205,127, G>A on the plus strand (C>T on the coding strand, the complement: KMT2C is on the minus strand). VCF-style: chr7-152205127-G-A. GRCh37 (hg19) VCF-style: chr7-151902212-G-A.
Other names: short protein forms Q1314*.
Identifiers: ClinVar variation 3289148 (VCV003289148.1).